The following is an entry in ClinVar:

NM_004064.5(CDKN1B):c.70C>T (p.Pro24Ser)

Gene: CDKN1B (cyclin dependent kinase inhibitor 1B; plus strand). Cytogenetic location: 12p13.1.
Variant type: single nucleotide variant.
Coding change: c.70C>T on transcript NM_004064.5 (MANE Select); coding-DNA position 70, C replaced by T.
Protein change: p.Pro24Ser; replaces proline 24 with serine.
Molecular consequence: missense variant.
Genome position (GRCh38, 1-based): chr12:12,717,909, C>T. VCF-style: chr12-12717909-C-T. GRCh37 (hg19) VCF-style: chr12-12870843-C-T.
Other names: short protein forms P24S.
Identifiers: ClinVar variation 1051927 (VCV001051927.9), dbSNP rs2136355480, ClinGen allele CA383968315.

ClinVar aggregate classification (germline): Uncertain significance. Review status: criteria provided, multiple submitters, no conflicts (2 of 4 stars). 2 submissions from 2 submitters: Uncertain significance (2). Last evaluated 2022-02-23.

Conditions:
Multiple endocrine neoplasia type 4. Also called: MULTIPLE ENDOCRINE NEOPLASIA, TYPE IV. Identifiers: Orphanet 276152, MedGen C1970712, MONDO:0012552, OMIM 610755.
Hereditary cancer-predisposing syndrome. Also called: Hereditary Cancer Syndrome; Tumor predisposition; Hereditary neoplastic syndrome; Neoplastic Syndromes, Hereditary. Identifiers: Orphanet 140162, MedGen C0027672, MeSH D009386, MONDO:0015356.

Submissions (2):

Ambry Genetics
Classification: Uncertain significance for Hereditary cancer-predisposing syndrome. Last evaluated: 2022-02-23. Review status: criteria provided, single submitter. Criteria: Ambry Variant Classification Scheme 2023. Collection method: clinical testing. Allele origin: germline.
Comment: The p.P24S variant (also known as c.70C>T), located in coding exon 1 of the CDKN1B gene, results from a C to T substitution at nucleotide position 70. The proline at codon 24 is replaced by serine, an amino acid with similar properties. This amino acid position is conserved. In addition, the in silico prediction for this alteration is inconclusive. Since supporting evidence is limited at this time, the clinical significance of this alteration remains unclear.

Labcorp Genetics (formerly Invitae), Labcorp
Classification: Uncertain significance for Multiple endocrine neoplasia type 4. Last evaluated: 2022-02-19. Review status: criteria provided, single submitter. Criteria: Invitae Variant Classification Sherloc (09022015). Collection method: clinical testing. Allele origin: germline.
Comment: In summary, the available evidence is currently insufficient to determine the role of this variant in disease. Therefore, it has been classified as a Variant of Uncertain Significance. Algorithms developed to predict the effect of missense changes on protein structure and function (SIFT, PolyPhen-2, Align-GVGD) all suggest that this variant is likely to be disruptive. ClinVar contains an entry for this variant (Variation ID: 1051927). This variant has not been reported in the literature in individuals affected with CDKN1B-related conditions. This variant is not present in population databases (gnomAD no frequency). This sequence change replaces proline, which is neutral and non-polar, with serine, which is neutral and polar, at codon 24 of the CDKN1B protein (p.Pro24Ser).